The following is an entry in ClinVar:

ClinVar aggregate classification (germline): Conflicting classifications of pathogenicity. Review status: criteria provided, conflicting classifications (1 of 4 stars). 2 submissions from 2 submitters: Uncertain significance (1); Likely benign (1). Last evaluated 2025-06-12.

Conditions:
Cardiovascular phenotype. Identifiers: MedGen CN230736.
Distal myopathy with posterior leg and anterior hand involvement. Also called: WILLIAMS DISTAL MYOPATHY. Identifiers: Orphanet 63273, MedGen C3279722, MONDO:0013550, OMIM 614065.
Hypertrophic cardiomyopathy 26. Also called: Cardiomyopathy, familial hypertrophic, 26. Identifiers: Orphanet 75249, MedGen C4310749, MONDO:0014883, OMIM 617047.
Myofibrillar myopathy 5. Also called: Filaminopathy (type); FILAMINOPATHY, AUTOSOMAL DOMINANT. Identifiers: Orphanet 171445, MedGen C1836050, MONDO:0012289, OMIM 609524.

Allele frequency attached by ClinVar (database versions not stated): ExAC 0.00001; gnomAD 0.00001; TOPMed 0.00003; 1000 Genomes Project 30x 0.00016; 1000 Genomes Project 0.00020.
gnomAD v4.1: 1 of 1,613,260 alleles (0.000062%); highest among the groups gnomAD compares: African/African-American, 0.0013%; no homozygotes.

Submissions (2):

Labcorp Genetics (formerly Invitae), Labcorp
Classification: Likely benign for Distal myopathy with posterior leg and anterior hand involvement; Myofibrillar myopathy 5; Hypertrophic cardiomyopathy 26. Last evaluated: 2025-06-12. Review status: criteria provided, single submitter. Criteria: Invitae Variant Classification Sherloc (09022015). Collection method: clinical testing. Allele origin: germline.

Ambry Genetics
Classification: Uncertain significance for Cardiovascular phenotype. Last evaluated: 2023-12-07. Review status: criteria provided, single submitter. Criteria: Ambry Variant Classification Scheme 2023. Collection method: clinical testing. Allele origin: germline.
Comment: The p.T1041S variant (also known as c.3122C>G), located in coding exon 20 of the FLNC gene, results from a C to G substitution at nucleotide position 3122. The threonine at codon 1041 is replaced by serine, an amino acid with similar properties. This amino acid position is not well conserved in available vertebrate species, and serine is the reference amino acid in other vertebrate species. In addition, this alteration is predicted to be tolerated by in silico analysis. Since supporting evidence is limited at this time, the clinical significance of this alteration remains unclear.

NM_001458.5(FLNC):c.3122C>G (p.Thr1041Ser)

Gene: FLNC (filamin C; plus strand). Cytogenetic location: 7q32.1.
Variant type: single nucleotide variant.
Coding change: c.3122C>G on transcript NM_001458.5 (MANE Select); coding-DNA position 3122, C replaced by G.
Protein change: p.Thr1041Ser; replaces threonine 1041 with serine.
Molecular consequence: missense variant.
Genome position (GRCh38, 1-based): chr7:128,844,196, C>G. VCF-style: chr7-128844196-C-G. GRCh37 (hg19) VCF-style: chr7-128484250-C-G.
Other names: c.3122C>G, p.Thr1041Ser (NM_001127487.2); short protein forms T1041S.
Identifiers: ClinVar variation 1727875 (VCV001727875.5), dbSNP rs557380928, ClinGen allele CA4474957.